The following is an entry in ClinVar:

ClinVar aggregate classification (germline): Uncertain significance. Review status: criteria provided, multiple submitters, no conflicts (2 of 4 stars). 3 submissions from 3 submitters: Uncertain significance (3). Last evaluated 2025-03-20.

Conditions:
BRCA2-related cancer predisposition. Identifiers: MedGen CN377758, MONDO:0700269.
Hereditary cancer-predisposing syndrome. Also called: Hereditary neoplastic syndrome; Neoplastic Syndromes, Hereditary; Tumor predisposition; Hereditary Cancer Syndrome. Identifiers: Orphanet 140162, MedGen C0027672, MeSH D009386, MONDO:0015356.
Hereditary breast ovarian cancer syndrome. Also called: Hereditary breast and/or ovarian cancer syndrome; Hereditary breast and ovarian cancer syndrome; Hereditary breast and ovarian cancer; Hereditary breast and ovarian cancer syndrome (HBOC); Breast and ovarian cancer; BRCA1- and BRCA2-Associated Hereditary Breast and Ovarian Cancer. Identifiers: Orphanet 145, MedGen C0677776, MeSH D061325, MONDO:0003582. Disease mechanism: loss of function.

Allele frequency attached by ClinVar (database versions not stated): TOPMed below 0.00001.

Submissions (3):

Ambry Genetics
Classification: Uncertain significance for Hereditary cancer-predisposing syndrome. Last evaluated: 2025-03-20. Review status: criteria provided, single submitter. Criteria: Ambry Variant Classification Scheme 2023. Collection method: clinical testing. Allele origin: germline.
Comment: The p.Q3361H variant (also known as c.10083A>C), located in coding exon 26 of the BRCA2 gene, results from an A to C substitution at nucleotide position 10083. The glutamine at codon 3361 is replaced by histidine, an amino acid with highly similar properties. This amino acid position is conserved. In addition, this alteration is predicted to be tolerated by in silico analysis. Based on the available evidence, the clinical significance of this variant remains unclear.

All of Us Research Program, National Institutes of Health
Classification: Uncertain significance for BRCA2-related cancer predisposition. Last evaluated: 2024-04-16. Review status: criteria provided, single submitter. Criteria: ACMG Guidelines, 2015. Collection method: clinical testing. Allele origin: germline. Inheritance: Autosomal dominant inheritance. Observed: 1 variant allele, 1 heterozygote.
Comment: This missense variant replaces glutamine with histidine at codon 3361 of the BRCA2 protein. Computational prediction suggests that this variant may not impact protein structure and function (internally defined REVEL score threshold <= 0.5, PMID: 27666373). To our knowledge, functional studies have not been reported for this variant. This variant has not been reported in individuals affected with BRCA2-related disorders in the literature. This variant has not been identified in the general population by the Genome Aggregation Database (gnomAD). The available evidence is insufficient to determine the role of this variant in disease conclusively. Therefore, this variant is classified as a Variant of Uncertain Significance.

This study involves interpretation of variants in research participants for the purpose of population health screening. Participant phenotype was not available at the time of variant classification. Additional details can be found in publication PMID: 35346344, PMCID: PMC8962531

Labcorp Genetics (formerly Invitae), Labcorp
Classification: Uncertain significance for Hereditary breast ovarian cancer syndrome. Last evaluated: 2021-01-19. Review status: criteria provided, single submitter. Criteria: Invitae Variant Classification Sherloc (09022015). Collection method: clinical testing. Allele origin: germline.
Comment: This sequence change replaces glutamine with histidine at codon 3361 of the BRCA2 protein (p.Gln3361His). The glutamine residue is weakly conserved and there is a small physicochemical difference between glutamine and histidine. This variant is not present in population databases (ExAC no frequency). In summary, the available evidence is currently insufficient to determine the role of this variant in disease. Therefore, it has been classified as a Variant of Uncertain Significance. Algorithms developed to predict the effect of missense changes on protein structure and function output the following: SIFT: "Tolerated"; PolyPhen-2: "Benign"; Align-GVGD: "Class C0". The histidine amino acid residue is found in multiple mammalian species, suggesting that this missense change does not adversely affect protein function. These predictions have not been confirmed by published functional studies and their clinical significance is uncertain. This variant has not been reported in the literature in individuals with BRCA2-related conditions.

NM_000059.4(BRCA2):c.10083A>C (p.Gln3361His)

Gene: BRCA2 (BRCA2 DNA repair associated; plus strand). Cytogenetic location: 13q13.1.
Variant type: single nucleotide variant.
Coding change: c.10083A>C on transcript NM_000059.4 (MANE Select); coding-DNA position 10083, A replaced by C.
Protein change: p.Gln3361His; replaces glutamine 3361 with histidine.
Molecular consequence: missense variant.
Genome position (GRCh38, 1-based): chr13:32,398,596, A>C. VCF-style: chr13-32398596-A-C. GRCh37 (hg19) VCF-style: chr13-32972733-A-C.
Other names: short protein forms Q3361H.
Identifiers: ClinVar variation 938904 (VCV000938904.12), dbSNP rs1593202272, ClinGen allele CA387767937.